The following is an entry in ClinVar:

ClinVar aggregate classification (germline): Uncertain significance (1 of 4 stars; one submission).

Allele frequency attached by ClinVar (database versions not stated): gnomAD 0.00001; ExAC 0.00002; TOPMed 0.00002; ESP Exome Variant Server 0.00008.
gnomAD v4.1: 33 of 1,614,128 alleles (0.002%); highest among the groups gnomAD compares: Admixed American, 0.0083%; no homozygotes.

Submission:

Labcorp Genetics (formerly Invitae), Labcorp
Classification: Uncertain significance. Last evaluated: 2024-09-13. Review status: criteria provided, single submitter. Criteria: Invitae Variant Classification Sherloc (09022015). Collection method: clinical testing. Allele origin: germline.
Comment: This sequence change replaces alanine, which is neutral and non-polar, with threonine, which is neutral and polar, at codon 494 of the SULF1 protein (p.Ala494Thr). This variant is present in population databases (rs368427346, gnomAD 0.01%). This variant has not been reported in the literature in individuals affected with SULF1-related conditions. An algorithm developed to predict the effect of missense changes on protein structure and function (PolyPhen-2) suggests that this variant is likely to be tolerated. In summary, the available evidence is currently insufficient to determine the role of this variant in disease. Therefore, it has been classified as a Variant of Uncertain Significance.

NM_001128205.2(SULF1):c.1480G>A (p.Ala494Thr)

Gene: SULF1 (sulfatase 1; plus strand). Cytogenetic location: 8q13.3.
Variant type: single nucleotide variant.
Coding change: c.1480G>A on transcript NM_001128205.2 (MANE Select); coding-DNA position 1480, G replaced by A.
Protein change: p.Ala494Thr; replaces alanine 494 with threonine.
Molecular consequence: missense variant. On other transcripts: 5 prime UTR variant (1), non-coding transcript variant (7).
Genome position (GRCh38, 1-based): chr8:69,621,137, G>A. VCF-style: chr8-69621137-G-A. GRCh37 (hg19) VCF-style: chr8-70533372-G-A.
Other names: c.1480G>A, p.Ala494Thr (NM_001412831.1, NM_001412833.1, NM_001412834.1 and 10 more transcripts); c.1351G>A, p.Ala451Thr (NM_001412832.1, NM_001412838.1, NM_001412839.1 and 1 more transcripts); c.1423G>A, p.Ala475Thr (NM_001412836.1, NM_001412837.1); c.1294G>A, p.Ala432Thr (NM_001412841.1, NM_001412842.1); c.880G>A, p.Ala294Thr (NM_001412844.1, NM_001412845.1); c.-312G>A (NM_001412846.1); short protein forms A451T, A475T, A294T, A432T, A494T.
Identifiers: ClinVar variation 2985816 (VCV002985816.3), dbSNP rs368427346, ClinGen allele CA4775898.